The following is an entry in ClinVar:

ClinVar aggregate classification (germline): Pathogenic (1 of 4 stars; one submission).

Conditions:
Short-rib thoracic dysplasia 14 with polydactyly (SRTD14). Identifiers: Orphanet 397715, MedGen C4225286, MONDO:0014688, OMIM 616546.
Joubert syndrome 23 (JBTS23). Identifiers: Orphanet 475, MedGen C4084822, MONDO:0014664, OMIM 616490.

Submission:

Labcorp Genetics (formerly Invitae), Labcorp
Classification: Pathogenic for Joubert syndrome 23; Short-rib thoracic dysplasia 14 with polydactyly. Last evaluated: 2025-08-06. Review status: criteria provided, single submitter. Criteria: Invitae Variant Classification Sherloc (09022015). Collection method: clinical testing. Allele origin: germline.
Comment: This sequence change creates a premature translational stop signal (p.Lys846Asnfs*4) in the KIAA0586 gene. It is expected to result in an absent or disrupted protein product. Loss-of-function variants in KIAA0586 are known to be pathogenic (PMID: 26096313, 26166481, 26386044). This variant is not present in population databases (gnomAD no frequency). This variant has not been reported in the literature in individuals affected with KIAA0586-related conditions. For these reasons, this variant has been classified as Pathogenic.

Literature cited by the submitters: PubMed 26096313; PubMed 26166481; PubMed 26386044.

NM_001329943.3(KIAA0586):c.2379del (p.Lys793fs)

Gene: KIAA0586 (KIAA0586; plus strand). Cytogenetic location: 14q23.1.
Variant type: Deletion.
Coding change: c.2379del on transcript NM_001329943.3 (MANE Select); coding-DNA position 2379, one base deleted (A; older notation c.2379delA).
Protein change: p.Lys793fs; shifts the reading frame from lysine 793.
Molecular consequence: frameshift variant.
Genome position (GRCh38, 1-based): chr14:58,467,859, A deleted; the last of 3 consecutive A bases (chr14:58,467,857-58,467,859); deleting any one gives the same sequence. VCF-style (leftmost placement, unchanged base first): chr14-58467856-GA-G. GRCh37 (hg19) VCF-style: chr14-58934574-GA-G.
Other names: c.2538del, p.Lys846fs (NM_001244189.2); c.2334del, p.Lys778fs (NM_001244190.2); c.2124del, p.Lys708fs (NM_001244191.2, NM_001329945.2, NM_001364700.1 and 1 more transcripts); c.2247del, p.Lys749fs (NM_001244192.2); c.1959del, p.Lys653fs (NM_001244193.2); c.2379del, p.Lys793fs (NM_001329944.2, NM_001329946.2, NM_001329947.2); c.2151del, p.Lys717fs (NM_014749.5); short protein forms K717fs, K749fs, K793fs, K846fs, K708fs, K653fs, K778fs.
Identifiers: ClinVar variation 4785803 (VCV004785803.1).
Genomic context (GRCh38, chr14:58,467,856, plus strand): 5'-CCCTGTAACTGTGACTACTTCTATTCCTCCATCATCTCGAAAAGTAGAAACTGGAGTAAA[GA>G]AACCTAACATAGCCATTGTAGAAATGAAGTCAGAAAAAAAGGATCCTCCTCAGCTTACTG-3'